The following is an entry in ClinVar:

ClinVar aggregate classification (germline): other (0 of 4 stars; one submission).

Conditions:
Familial colorectal cancer. Identifiers: MedGen CN280943, MONDO:0023113. Disease mechanism: loss of function.

Allele frequency attached by ClinVar (database versions not stated): gnomAD 0.00218 and 0.00282; TOPMed 0.00468; 1000 Genomes Project 30x 0.00703; 1000 Genomes Project 0.00779.
gnomAD v4.1: 429 of 152,246 alleles (0.28%); highest among the groups gnomAD compares: East Asian, 4.8%; 10 homozygotes.

Submission:

Systems Biology Platform Zhejiang California International NanoSystems Institute
Classification: other for Familial colorectal cancer. Review status: no assertion criteria provided. Collection method: not provided. Allele origin: unknown.
ClinVar note: Converted during submission from cancer to other.

NM_000038.6(APC):c.933+1540G>A

Gene: APC (APC regulator of WNT signaling pathway; plus strand). Cytogenetic location: 5q22.2.
Variant type: single nucleotide variant.
Coding change: c.933+1540G>A on transcript NM_000038.6 (MANE Select); 1540 bases into the intron after coding-DNA position 933, G replaced by A.
Molecular consequence: intron variant.
Genome position (GRCh38, 1-based): chr5:112,817,133, G>A. VCF-style: chr5-112817133-G-A. GRCh37 (hg19) VCF-style: chr5-112152830-G-A.
Other names: c.933+1540G>A (NM_001354895.2, NM_001127510.3, NM_001354896.2 and 1 more transcripts); c.963+1540G>A (NM_001354897.2, NM_001354902.2); c.879+1540G>A (NM_001127511.3); c.858+1540G>A (NM_001354898.2, NM_001354904.2); c.84+1540G>A (NM_001354906.2); c.849+1540G>A (NM_001354899.2); c.756+1540G>A (NM_001354900.2, NM_001354901.2, NM_001354905.2).
Identifiers: ClinVar variation 82563 (VCV000082563.2), dbSNP rs78924999, ClinGen allele CA015723.